The following is an entry in ClinVar:

NM_018026.4(PACS1):c.1466A>T (p.Asp489Val)

Gene: PACS1 (phosphofurin acidic cluster sorting protein 1; plus strand). Cytogenetic location: 11q13.2.
Variant type: single nucleotide variant.
Coding change: c.1466A>T on transcript NM_018026.4 (MANE Select); coding-DNA position 1466, A replaced by T.
Protein change: p.Asp489Val; replaces aspartic acid 489 with valine.
Molecular consequence: missense variant.
Genome position (GRCh38, 1-based): chr11:66,230,639, A>T. VCF-style: chr11-66230639-A-T. GRCh37 (hg19) VCF-style: chr11-65998110-A-T.
Other names: short protein forms D489V.
Identifiers: ClinVar variation 2139253 (VCV002139253.4), dbSNP rs2495580756, ClinGen allele CA381366659.

ClinVar aggregate classification (germline): Uncertain significance (1 of 4 stars; one submission).

Conditions:
Schuurs-Hoeijmakers syndrome. Also called: PACS1-Related Neurodevelopmental Disorder. Identifiers: Orphanet 329224, MedGen C3554343, MONDO:0014006, OMIM 615009.

Submission:

Labcorp Genetics (formerly Invitae), Labcorp
Classification: Uncertain significance for Schuurs-Hoeijmakers syndrome. Last evaluated: 2023-01-19. Review status: criteria provided, single submitter. Criteria: Invitae Variant Classification Sherloc (09022015). Collection method: clinical testing. Allele origin: germline.
Comment: In summary, the available evidence is currently insufficient to determine the role of this variant in disease. Therefore, it has been classified as a Variant of Uncertain Significance. Advanced modeling of protein sequence and biophysical properties (such as structural, functional, and spatial information, amino acid conservation, physicochemical variation, residue mobility, and thermodynamic stability) performed at Invitae indicates that this missense variant is not expected to disrupt PACS1 protein function. This variant has not been reported in the literature in individuals affected with PACS1-related conditions. This variant is not present in population databases (gnomAD no frequency). This sequence change replaces aspartic acid, which is acidic and polar, with valine, which is neutral and non-polar, at codon 489 of the PACS1 protein (p.Asp489Val).